The following is an entry in ClinVar:

ClinVar aggregate classification (germline): Uncertain significance (1 of 4 stars; one submission).

gnomAD v4.1: 1 of 1,614,124 alleles (0.000062%); highest among the groups gnomAD compares: Non-Finnish European, 0.000085%; no homozygotes.

Submission:

Labcorp Genetics (formerly Invitae), Labcorp
Classification: Uncertain significance. Last evaluated: 2025-07-07. Review status: criteria provided, single submitter. Criteria: Invitae Variant Classification Sherloc (09022015). Collection method: clinical testing. Allele origin: germline.
Comment: This sequence change replaces arginine, which is basic and polar, with lysine, which is basic and polar, at codon 354 of the CLTC protein (p.Arg354Lys). This variant is not present in population databases (gnomAD no frequency). This variant has not been reported in the literature in individuals affected with CLTC-related conditions. Invitae Evidence Modeling of protein sequence and biophysical properties (such as structural, functional, and spatial information, amino acid conservation, physicochemical variation, residue mobility, and thermodynamic stability) indicates that this missense variant is not expected to disrupt CLTC protein function with a negative predictive value of 80%. In summary, the available evidence is currently insufficient to determine the role of this variant in disease. Therefore, it has been classified as a Variant of Uncertain Significance.

NM_004859.4(CLTC):c.1049G>A (p.Arg350Lys)

Gene: CLTC (clathrin heavy chain; plus strand). Cytogenetic location: 17q23.1.
Variant type: single nucleotide variant.
Coding change: c.1049G>A on transcript NM_004859.4 (MANE Select); coding-DNA position 1049, G replaced by A.
Protein change: p.Arg350Lys; replaces arginine 350 with lysine.
Molecular consequence: missense variant.
Genome position (GRCh38, 1-based): chr17:59,660,470, G>A. VCF-style: chr17-59660470-G-A. GRCh37 (hg19) VCF-style: chr17-57737831-G-A.
Other names: c.1061G>A, p.Arg354Lys (NM_001288653.2); short protein forms R350K, R354K.
Identifiers: ClinVar variation 4810802 (VCV004810802.1).